The following is an entry in ClinVar:

NM_017780.4(CHD7):c.7590A>G (p.Lys2530=)

Gene: CHD7 (chromodomain helicase DNA binding protein 7; plus strand). Cytogenetic location: 8q12.2.
Variant type: single nucleotide variant.
Coding change: c.7590A>G on transcript NM_017780.4 (MANE Select); coding-DNA position 7590, A replaced by G.
Protein change: p.Lys2530=; no amino-acid change (lysine 2530 retained).
Molecular consequence: synonymous variant. On other transcripts: intron variant (1).
Genome position (GRCh38, 1-based): chr8:60,856,870, A>G. VCF-style: chr8-60856870-A-G. GRCh37 (hg19) VCF-style: chr8-61769429-A-G.
Other names: c.7590A>G (LRG_176t1); c.1717-5359A>G (NM_001316690.1).
Identifiers: ClinVar variation 158318 (VCV000158318.45), dbSNP rs61742801, ClinGen allele CA271337.

ClinVar aggregate classification (germline): Conflicting classifications of pathogenicity. Review status: criteria provided, conflicting classifications (1 of 4 stars). 12 submissions from 12 submitters: Uncertain significance (1); Benign (6); Likely benign (2). 3 of the submissions do not count toward it. Last evaluated 2026-08-27.

Conditions:
Inborn genetic diseases. Identifiers: MedGen C0950123, MeSH D030342.
CHD7-related disorder. Also called: CHD7-related condition.
CHARGE syndrome (CHARGE). Also called: CHARGE ASSOCIATION--COLOBOMA, HEART ANOMALY, CHOANAL ATRESIA, RETARDATION, GENITAL AND EAR ANOMALIES; Hittner Hirsch Kreh syndrome; Coloboma, heart anomaly, choanal atresia, retardation, genital and ear anomalies; CHARGE association; Hall-Hittner syndrome. Identifiers: Orphanet 138, MedGen C0265354, MONDO:0008965.

Allele frequency attached by ClinVar (database versions not stated): gnomAD exomes 0.00034 and 0.00122; ExAC 0.00141; ESP Exome Variant Server 0.00362; 1000 Genomes Project 30x 0.00422; gnomAD 0.00442 and 0.00476; 1000 Genomes Project 0.00439; TOPMed 0.00481.
gnomAD v4.1: 1,193 of 1,554,658 alleles (0.077%); highest among the groups gnomAD compares: African/African-American, 1.4%; 9 homozygotes.

Submissions (12):

PreventionGenetics, part of Exact Sciences
Classification: Benign for CHD7-related condition. Last evaluated: 2026-08-27. Review status: criteria provided, single submitter. Criteria: ACMG Guidelines, 2015. Collection method: clinical testing. Allele origin: germline.
Comment: This variant is classified as benign based on ACMG/AMP sequence variant interpretation guidelines (Richards et al. 2015 PMID: 25741868, with internal and published modifications).

Labcorp Genetics (formerly Invitae), Labcorp
Classification: Benign for CHARGE syndrome. Last evaluated: 2026-01-29. Review status: criteria provided, single submitter. Criteria: Invitae Variant Classification Sherloc (09022015). Collection method: clinical testing. Allele origin: germline.

CeGaT Center for Human Genetics Tuebingen
Classification: Likely benign. Last evaluated: 2025-09-01. Review status: criteria provided, single submitter. Criteria: CeGaT Center For Human Genetics Tuebingen Variant Classification Criteria Version 2. Collection method: clinical testing. Allele origin: germline. Affected: yes. Observed: 1 variant allele.
Comment: CHD7: BP4, BS1

Blueprint Genetics
Classification: Likely benign. Last evaluated: 2024-07-18. Review status: criteria provided, single submitter. Criteria: ACMG Guidelines, 2015. Collection method: clinical testing. Allele origin: germline.

Women's Health and Genetics/Laboratory Corporation of America, LabCorp
Classification: Benign. Last evaluated: 2024-02-27. Review status: criteria provided, single submitter. Criteria: LabCorp Variant Classification Summary - May 2015. Collection method: clinical testing. Allele origin: germline.
Comment: Variant summary: CHD7 c.7590A>G alters a conserved nucleotide resulting in a synonymous change. Consensus agreement among computation tools predict no significant impact on normal splicing. However, these predictions have yet to be confirmed by functional studies. The variant allele was found at a frequency of 0.0012 in 200010 control chromosomes, predominantly at a frequency of 0.015 within the African or African-American subpopulation in the gnomAD database, including 1 homozygotes. The observed variant frequency within African or African-American control individuals in the gnomAD database is approximately 300 fold of the estimated maximal expected allele frequency for a pathogenic variant in CHD7 causing CHARGE Syndrome phenotype (4.4e-05), strongly suggesting that the variant is a benign polymorphism found primarily in populations of African or African-American origin. ClinVar contains an entry for this variant (Variation ID: 158318). Based on the evidence outlined above, the variant was classified as benign.

Laboratory for Molecular Medicine, Mass General Brigham Personalized Medicine
Classification: Benign. Last evaluated: 2017-08-23. Review status: criteria provided, single submitter. Criteria: LMM Criteria. Collection method: clinical testing. Allele origin: germline. Observed: 1 variant allele.
Comment: p.Lys2530Lys in exon 34 of CHD7: This variant is not expected to have clinical significance because it does not alter an amino acid residue, is not located within the splice consensus sequence, and has been identified in 1.54% (143/9280) of African chromosomes by the Exome Aggregation Consortium (ExAC; dbSNP rs61742801).

Ambry Genetics
Classification: Benign for Inborn genetic diseases. Last evaluated: 2016-07-01. Review status: criteria provided, single submitter. Criteria: Ambry Variant Classification Scheme 2023. Collection method: clinical testing. Allele origin: germline.

GeneDx
Classification: Benign. Last evaluated: 2016-04-25. Review status: criteria provided, single submitter. Criteria: GeneDx Variant Classification (06012015). Collection method: clinical testing. Allele origin: germline. Affected: yes.
Comment: This variant is considered likely benign or benign based on one or more of the following criteria: it is a conservative change, it occurs at a poorly conserved position in the protein, it is predicted to be benign by multiple in silico algorithms, and/or has population frequency not consistent with disease.

Genetic Services Laboratory, University of Chicago
Classification: Uncertain significance for CHARGE syndrome. Last evaluated: 2013-02-08. Review status: criteria provided, single submitter. Criteria: ACMG Guidelines, 2007. Collection method: clinical testing. Allele origin: germline. Inheritance: Autosomal dominant inheritance.

Clinical Genetics, Academic Medical Center
Classification: Benign. Review status: no assertion criteria provided. Collection method: clinical testing. Allele origin: germline. Affected: yes. Study: VKGL Data-share Consensus. Not counted in ClinVar's aggregate classification.

Diagnostic Laboratory, Department of Genetics, University Medical Center Groningen
Classification: Benign. Review status: no assertion criteria provided. Collection method: clinical testing. Allele origin: germline. Affected: yes. Study: VKGL Data-share Consensus. Not counted in ClinVar's aggregate classification.

Joint Genome Diagnostic Labs from Nijmegen and Maastricht, Radboudumc and MUMC+
Classification: Benign. Review status: no assertion criteria provided. Collection method: clinical testing. Allele origin: germline. Affected: yes. Study: VKGL Data-share Consensus. Not counted in ClinVar's aggregate classification.